The following is an entry in ClinVar:

NM_014009.4(FOXP3):c.711G>A (p.Glu237=)

Gene: FOXP3 (forkhead box P3; minus strand). Cytogenetic location: Xp11.23.
Variant type: single nucleotide variant.
Coding change: c.711G>A on transcript NM_014009.4 (MANE Select); coding-DNA position 711, G replaced by A.
Protein change: p.Glu237=; no amino-acid change (glutamic acid 237 retained).
Molecular consequence: synonymous variant.
Genome position (GRCh38, 1-based): chrX:49,255,739, C>T on the plus strand (G>A on the coding strand, the complement: FOXP3 is on the minus strand). VCF-style: chrX-49255739-C-T. GRCh37 (hg19) VCF-style: chrX-49112200-C-T.
Other names: c.606G>A, p.Glu202= (NM_001114377.2).
Identifiers: ClinVar variation 1621292 (VCV001621292.18), dbSNP rs1557116204, ClinGen allele CA516397359.

ClinVar aggregate classification (germline): Likely benign. Review status: criteria provided, multiple submitters, no conflicts (2 of 4 stars). 2 submissions from 2 submitters: Likely benign (2). Last evaluated 2025-07-01.

Conditions:
Insulin-dependent diabetes mellitus secretory diarrhea syndrome (IPEX). Also called: X-Linked Autoimmunity-Allergic Dysregulation Syndrome; DIABETES MELLITUS, CONGENITAL INSULIN-DEPENDENT, WITH FATAL SECRETORY DIARRHEA; DIARRHEA, POLYENDOCRINOPATHY, FATAL INFECTION SYNDROME, X-LINKED; ENTEROPATHY, AUTOIMMUNE, WITH HEMOLYTIC ANEMIA AND POLYENDOCRINOPATHY; Immune dysregulation-polyendocrinopathy-enteropathy-X-linked syndrome; Immunodeficiency, Polyendocrinopathy, and Enteropathy X-Linked Syndrome. Identifiers: Orphanet 37042, MedGen C0342288, MONDO:0010580, OMIM 304790. Disease mechanism: loss of function.

Allele frequency attached by ClinVar (database versions not stated): gnomAD exomes below 0.00001 and 0.00001.
gnomAD v4.1: 1 of 1,209,416 alleles (0.000083%); highest among the groups gnomAD compares: Non-Finnish European, 0.00011%; no homozygotes.

Submissions (2):

CeGaT Center for Human Genetics Tuebingen
Classification: Likely benign. Last evaluated: 2025-07-01. Review status: criteria provided, single submitter. Criteria: CeGaT Center For Human Genetics Tuebingen Variant Classification Criteria Version 2. Collection method: clinical testing. Allele origin: germline. Affected: yes. Observed: 1 variant allele.
Comment: FOXP3: BP7

Labcorp Genetics (formerly Invitae), Labcorp
Classification: Likely benign for Insulin-dependent diabetes mellitus secretory diarrhea syndrome. Last evaluated: 2020-12-14. Review status: criteria provided, single submitter. Criteria: Invitae Variant Classification Sherloc (09022015). Collection method: clinical testing. Allele origin: germline.